The following is an entry in ClinVar:

ClinVar aggregate classification (germline): Uncertain significance (1 of 4 stars; one submission).

Conditions:
Peroxisome biogenesis disorder 12A (Zellweger). Also called: Peroxisome biogenesis disorder 12A. Identifiers: Orphanet 912, MedGen C3554002, MONDO:0013951, OMIM 614886.

gnomAD v4.1: 2 of 1,614,020 alleles (0.00012%); highest among the groups gnomAD compares: Non-Finnish European, 0.00017%; no homozygotes.

Submission:

Labcorp Genetics (formerly Invitae), Labcorp
Classification: Uncertain significance for Peroxisome biogenesis disorder 12A (Zellweger). Last evaluated: 2024-10-22. Review status: criteria provided, single submitter. Criteria: Invitae Variant Classification Sherloc (09022015). Collection method: clinical testing. Allele origin: germline.
Comment: This sequence change replaces phenylalanine, which is neutral and non-polar, with leucine, which is neutral and non-polar, at codon 75 of the PEX19 protein (p.Phe75Leu). This variant is not present in population databases (gnomAD no frequency). This variant has not been reported in the literature in individuals affected with PEX19-related conditions. ClinVar contains an entry for this variant (Variation ID: 1989527). Invitae Evidence Modeling of protein sequence and biophysical properties (such as structural, functional, and spatial information, amino acid conservation, physicochemical variation, residue mobility, and thermodynamic stability) indicates that this missense variant is not expected to disrupt PEX19 protein function with a negative predictive value of 80%. In summary, the available evidence is currently insufficient to determine the role of this variant in disease. Therefore, it has been classified as a Variant of Uncertain Significance.

NM_002857.4(PEX19):c.225C>G (p.Phe75Leu)

Gene: PEX19 (peroxisomal biogenesis factor 19; minus strand). Cytogenetic location: 1q23.2.
Variant type: single nucleotide variant.
Coding change: c.225C>G on transcript NM_002857.4 (MANE Select); coding-DNA position 225, C replaced by G.
Protein change: p.Phe75Leu; replaces phenylalanine 75 with leucine.
Molecular consequence: missense variant. On other transcripts: non-coding transcript variant (2).
Genome position (GRCh38, 1-based): chr1:160,283,065, G>C on the plus strand (C>G on the coding strand, the complement: PEX19 is on the minus strand). VCF-style: chr1-160283065-G-C. GRCh37 (hg19) VCF-style: chr1-160252855-G-C.
Other names: c.225C>G, p.Phe75Leu (NM_001193644.1); short protein forms F75L.
Identifiers: ClinVar variation 1989527 (VCV001989527.4), dbSNP rs751536744, ClinGen allele CA343263609.